The following is an entry in ClinVar:

ClinVar aggregate classification (germline): Likely pathogenic (1 of 4 stars; one submission).

Submission:

Labcorp Genetics (formerly Invitae), Labcorp
Classification: Likely pathogenic. Last evaluated: 2025-07-23. Review status: criteria provided, single submitter. Criteria: Invitae Variant Classification Sherloc (09022015). Collection method: clinical testing. Allele origin: germline.
Comment: This sequence change falls in intron 4 of the PHEX gene. It does not directly change the encoded amino acid sequence of the PHEX protein. It affects a nucleotide within the consensus splice site. This variant is not present in population databases (gnomAD no frequency). This variant has been observed in individual(s) with clinical features of hypophosphatemic rickets (internal data). Variants that disrupt the consensus splice site are a relatively common cause of aberrant splicing (PMID: 17576681, 9536098). Algorithms developed to predict the effect of sequence changes on RNA splicing suggest that this variant may disrupt the consensus splice site. This variant disrupts the c.436+5G nucleotide in the PHEX gene. Other variant(s) that disrupt this nucleotide have been determined to be pathogenic (PMID: 34434907). This suggests that this nucleotide is clinically significant, and that variants that disrupt this position are likely to be disease-causing. In summary, the currently available evidence indicates that the variant is pathogenic, but additional data are needed to prove that conclusively. Therefore, this variant has been classified as Likely Pathogenic.

Literature cited by the submitters: PubMed 17576681; PubMed 9536098; PubMed 34434907.

NM_000444.6(PHEX):c.436+5G>C

Gene: PHEX (phosphate regulating endopeptidase X-linked; plus strand). Cytogenetic location: Xp22.11.
Variant type: single nucleotide variant.
Coding change: c.436+5G>C on transcript NM_000444.6 (MANE Select); 5 bases into the intron after coding-DNA position 436, G replaced by C.
Molecular consequence: intron variant.
Genome position (GRCh38, 1-based): chrX:22,076,479, G>C. VCF-style: chrX-22076479-G-C. GRCh37 (hg19) VCF-style: chrX-22094597-G-C.
Other names: c.436+5G>C (NM_001282754.2).
Identifiers: ClinVar variation 4710849 (VCV004710849.1).